The following is an entry in ClinVar:

NM_001845.6(COL4A1):c.3992A>G (p.Gln1331Arg)

Gene: COL4A1 (collagen type IV alpha 1 chain; minus strand). Cytogenetic location: 13q34.
Variant type: single nucleotide variant.
Coding change: c.3992A>G on transcript NM_001845.6 (MANE Select); coding-DNA position 3992, A replaced by G.
Protein change: p.Gln1331Arg; replaces glutamine 1331 with arginine.
Molecular consequence: missense variant.
Genome position (GRCh38, 1-based): chr13:110,166,261, T>C on the plus strand (A>G on the coding strand, the complement: COL4A1 is on the minus strand). VCF-style: chr13-110166261-T-C. GRCh37 (hg19) VCF-style: chr13-110818608-T-C.
Other names: short protein forms Q1331R.
Identifiers: ClinVar variation 2806659 (VCV002806659.3), dbSNP rs1877331676, ClinGen allele CA388660567.

ClinVar aggregate classification (germline): Uncertain significance (1 of 4 stars; one submission).

Allele frequency attached by ClinVar (database versions not stated): gnomAD exomes below 0.00001.
gnomAD v4.1: 1 of 1,612,410 alleles (0.000062%); no homozygotes.

Submission:

Labcorp Genetics (formerly Invitae), Labcorp
Classification: Uncertain significance. Last evaluated: 2024-01-29. Review status: criteria provided, single submitter. Criteria: Invitae Variant Classification Sherloc (09022015). Collection method: clinical testing. Allele origin: germline.
Comment: This sequence change replaces glutamine, which is neutral and polar, with arginine, which is basic and polar, at codon 1331 of the COL4A1 protein (p.Gln1331Arg). This variant is not present in population databases (gnomAD no frequency). This variant has not been reported in the literature in individuals affected with COL4A1-related conditions. An algorithm developed to predict the effect of missense changes on protein structure and function (PolyPhen-2) suggests that this variant is likely to be tolerated. In summary, the available evidence is currently insufficient to determine the role of this variant in disease. Therefore, it has been classified as a Variant of Uncertain Significance.